The following is an entry in ClinVar:

ClinVar aggregate classification (germline): Uncertain significance. Review status: criteria provided, multiple submitters, no conflicts (2 of 4 stars). 3 submissions from 3 submitters: Uncertain significance (3). Last evaluated 2024-12-31.

Conditions:
Inborn genetic diseases. Identifiers: MedGen C0950123, MeSH D030342.

Allele frequency attached by ClinVar (database versions not stated): gnomAD exomes 0.00002 and 0.00005; ExAC 0.00005; TOPMed 0.00006; gnomAD 0.00007; ESP Exome Variant Server 0.00009; 1000 Genomes Project 30x 0.00016; 1000 Genomes Project 0.00020.
gnomAD v4.1: 37 of 1,591,540 alleles (0.0023%); highest among the groups gnomAD compares: African/African-American, 0.022%; no homozygotes.

Submissions (4):

Ambry Genetics
Classification: Uncertain significance for Inborn genetic diseases. Last evaluated: 2024-12-31. Review status: criteria provided, single submitter. Criteria: Ambry Variant Classification Scheme 2023. Collection method: clinical testing. Allele origin: germline.

Labcorp Genetics (formerly Invitae), Labcorp
Classification: Uncertain significance. Last evaluated: 2023-11-06. Review status: criteria provided, single submitter. Criteria: Invitae Variant Classification Sherloc (09022015). Collection method: clinical testing. Allele origin: germline.
Comment: This sequence change replaces arginine, which is basic and polar, with glutamine, which is neutral and polar, at codon 619 of the IFT81 protein (p.Arg619Gln). This variant is present in population databases (rs370199173, gnomAD 0.03%). This variant has not been reported in the literature in individuals affected with IFT81-related conditions. ClinVar contains an entry for this variant (Variation ID: 1063943). Algorithms developed to predict the effect of missense changes on protein structure and function output the following: SIFT: "Not Available"; PolyPhen-2: "Benign"; Align-GVGD: "Not Available". The glutamine amino acid residue is found in multiple mammalian species, which suggests that this missense change does not adversely affect protein function. In summary, the available evidence is currently insufficient to determine the role of this variant in disease. Therefore, it has been classified as a Variant of Uncertain Significance.

Blueprint Genetics
Classification: Uncertain significance. Last evaluated: 2022-06-13. Review status: criteria provided, single submitter. Criteria: ACMG Guidelines, 2015. Collection method: clinical testing. Allele origin: germline.

Dr. Peter K. Rogan Lab, Western University
No classification provided (evidence only). Condition: Familial cancer of breast. Review status: no classification provided. Collection method: in vitro. Allele origin: not applicable. Functional consequence: retained intron. Not counted in ClinVar's aggregate classification.

NM_014055.4(IFT81):c.1856G>A (p.Arg619Gln)

Gene: IFT81 (intraflagellar transport 81; plus strand). Cytogenetic location: 12q24.11.
Variant type: single nucleotide variant.
Coding change: c.1856G>A on transcript NM_014055.4 (MANE Select); coding-DNA position 1856, G replaced by A.
Protein change: p.Arg619Gln; replaces arginine 619 with glutamine.
Molecular consequence: missense variant. On other transcripts: non-coding transcript variant (4).
Genome position (GRCh38, 1-based): chr12:110,218,051, G>A. VCF-style: chr12-110218051-G-A. GRCh37 (hg19) VCF-style: chr12-110655856-G-A.
Other names: c.1856G>A, p.Arg619Gln (NM_001143779.2); c.926G>A, p.Arg309Gln (NM_001347947.2, NM_001347948.2); c.1856G>A (NM_014055.3); short protein forms R309Q, R619Q.
Identifiers: ClinVar variation 1063943 (VCV001063943.8), dbSNP rs370199173, ClinGen allele CA6783524.
Genomic context (GRCh38, chr12:110,218,051, plus strand): 5'-AAATAAACCCCTGTAACTGAGATTTAATTATTCTTGTTTTTTTTTAATGATAGAAACTTC[G>A]GGAAAAACAAAAAGTTATACGAGAAAGTCATGGTCCAAATATGAAACAAGCAAAAATGTG-3'
Protein context (NP_054774.2, residues 609-629): AEQENLGKKL[Arg619Gln]EKQKVIRESH